The following is an entry in ClinVar:

NM_004006.3(DMD):c.8366T>C (p.Leu2789Pro)

Gene: DMD (dystrophin; minus strand). Cytogenetic location: Xp21.1.
Variant type: single nucleotide variant.
Coding change: c.8366T>C on transcript NM_004006.3 (MANE Select); coding-DNA position 8366, T replaced by C.
Protein change: p.Leu2789Pro; replaces leucine 2789 with proline.
Molecular consequence: missense variant.
Genome position (GRCh38, 1-based): chrX:31,507,305, A>G on the plus strand (T>C on the coding strand, the complement: DMD is on the minus strand). VCF-style: chrX-31507305-A-G. GRCh37 (hg19) VCF-style: chrX-31525422-A-G.
Other names: c.8342T>C, p.Leu2781Pro (NM_000109.4); c.8354T>C, p.Leu2785Pro (NM_004009.3); c.7997T>C, p.Leu2666Pro (NM_004010.3); c.4343T>C, p.Leu1448Pro (NM_004011.4); c.4334T>C, p.Leu1445Pro (NM_004012.4); c.986T>C, p.Leu329Pro (NM_004013.3, NM_004020.4, NM_004021.3 and 2 more transcripts); c.179T>C, p.Leu60Pro (NM_004014.3); short protein forms L2785P, L1445P, L2789P, L60P, L2666P, L1448P, L2781P, L329P.
Identifiers: ClinVar variation 2825914 (VCV002825914.3), dbSNP rs2525968869, ClinGen allele CA412656115.

ClinVar aggregate classification (germline): Uncertain significance (1 of 4 stars; one submission).

Conditions:
Duchenne muscular dystrophy (DMD). Also called: MUSCULAR DYSTROPHY, PSEUDOHYPERTROPHIC PROGRESSIVE, DUCHENNE TYPE; Duchenne Muscular Dystrophy (DMD). Identifiers: Orphanet 98896, MedGen C0013264, MONDO:0010679, OMIM 310200.

Submission:

Labcorp Genetics (formerly Invitae), Labcorp
Classification: Uncertain significance for Duchenne muscular dystrophy. Last evaluated: 2023-01-20. Review status: criteria provided, single submitter. Criteria: Invitae Variant Classification Sherloc (09022015). Collection method: clinical testing. Allele origin: germline.
Comment: This sequence change replaces leucine, which is neutral and non-polar, with proline, which is neutral and non-polar, at codon 2789 of the DMD protein (p.Leu2789Pro). In summary, the available evidence is currently insufficient to determine the role of this variant in disease. Therefore, it has been classified as a Variant of Uncertain Significance. Advanced modeling of protein sequence and biophysical properties (such as structural, functional, and spatial information, amino acid conservation, physicochemical variation, residue mobility, and thermodynamic stability) performed at Invitae indicates that this missense variant is not expected to disrupt DMD protein function. This variant has not been reported in the literature in individuals affected with DMD-related conditions. This variant is not present in population databases (gnomAD no frequency).